The following is an entry in ClinVar:

NM_170606.3(KMT2C):c.8115G>C (p.Glu2705Asp)

Gene: KMT2C (lysine methyltransferase 2C; minus strand). Cytogenetic location: 7q36.1.
Variant type: single nucleotide variant.
Coding change: c.8115G>C on transcript NM_170606.3 (MANE Select); coding-DNA position 8115, G replaced by C.
Protein change: p.Glu2705Asp; replaces glutamic acid 2705 with aspartic acid.
Molecular consequence: missense variant.
Genome position (GRCh38, 1-based): chr7:152,177,338, C>G on the plus strand (G>C on the coding strand, the complement: KMT2C is on the minus strand). VCF-style: chr7-152177338-C-G. GRCh37 (hg19) VCF-style: chr7-151874423-C-G.
Other names: short protein forms E2705D.
Identifiers: ClinVar variation 4881315 (VCV004881315.2).

ClinVar aggregate classification (germline): Uncertain significance (1 of 4 stars; one submission).

Submission:

Dasa
Classification: Uncertain significance. Last evaluated: 2025-03-13. Review status: criteria provided, single submitter. Criteria: DASA Assertion Criteria. Collection method: clinical testing. Allele origin: germline.
Comment: NM_170606.3(KMT2C):c.8115G>C (p.Glu2705Asp) is a missense variant that results in the substitution of glutamic acid with aspartic acid. This variant is absent from population databases. Computational prediction algorithms are consistent with a benign effect. The currently available literature and clinical evidence are not sufficient to establish a definitive association between this variant and the reported condition. Therefore, this variant is classified as a variant of uncertain significance.